The following is an entry in ClinVar:

ClinVar aggregate classification (germline): Uncertain significance (1 of 4 stars; one submission).

Submission:

ISCA site 4
Classification: Uncertain significance. Last evaluated: 2011-08-12. Review status: criteria provided, single submitter. Criteria: Kaminsky et al. (Genet Med. 2011). Collection method: clinical testing. Allele origin: unknown. Affected: yes. Observed: 1 variant allele.
Comment: Copy number variation identified through the course of routine clinical cytogenomic testing in postnatal populations. Clinical assertions have been curated as described in Kaminsky et al. 2011.

GRCh38/hg38 1q42.2(chr1:230519755-231232066)x3

Genes: AGT (angiotensinogen; minus strand), ARV1 (ARV1 homolog, fatty acid homeostasis modulator; plus strand), C1orf198 (chromosome 1 open reading frame 198; minus strand), CAPN9 (calpain 9; plus strand), COG2 (component of oligomeric golgi complex 2; plus strand) and 31 more. Cytogenetic location: 1q42.2.
Variant type: copy number gain.
Change: copy number 3 (three copies instead of two) of chr1:230,519,755-231,232,066 (712.3 kb, GRCh38 coordinates, 1-based), cytogenetic band 1q42.2.
Identifiers: ClinVar variation 161003 (VCV000161003.1).